The following is an entry in ClinVar:

ClinVar aggregate classification (germline): Uncertain significance. Review status: criteria provided, multiple submitters, no conflicts (2 of 4 stars). 3 submissions from 3 submitters: Uncertain significance (3). Last evaluated 2021-08-20.

Conditions:
Autosomal recessive limb-girdle muscular dystrophy type 2J (LGMDR10). Also called: Limb-girdle muscular dystrophy, type 2J; MUSCULAR DYSTROPHY, LIMB-GIRDLE, AUTOSOMAL RECESSIVE 10. Identifiers: Orphanet 140922, MedGen C1837342, MONDO:0012127, OMIM 608807.
Dilated cardiomyopathy 1G (CMD1G). Identifiers: Orphanet 154, MedGen C1858763, MONDO:0011400, OMIM 604145.
Myopathy, myofibrillar, 9, with early respiratory failure (MFM9). Also called: EDSTROM MYOPATHY; MYOPATHY, PROXIMAL, WITH EARLY RESPIRATORY MUSCLE INVOLVEMENT; Hereditary myopathy with early respiratory failure; Myopathy, distal, with early respiratory failure, autosomal dominant. Identifiers: Orphanet 178464, Orphanet 34521, MedGen C1863599, MONDO:0011362, OMIM 603689.
Hypertrophic cardiomyopathy 9. Also called: Familial hypertrophic cardiomyopathy 9. Identifiers: MedGen C1861065, MONDO:0013412, OMIM 613765.
Early-onset myopathy with fatal cardiomyopathy (CMYO5). Also called: Salih Myopathy; CONGENITAL MYOPATHY 5 WITH CARDIOMYOPATHY. Identifiers: Orphanet 289377, MedGen C2673677, MONDO:0012714, OMIM 611705. Disease mechanism: loss of function.
Tibial muscular dystrophy (TMD). Also called: UDD MYOPATHY; Tibial muscular dystrophy, tardive; Udd Distal Myopathy – Tibial Muscular Dystrophy. Identifiers: Orphanet 609, MedGen C1838244, MONDO:0010870, OMIM 600334.

Allele frequency attached by ClinVar (database versions not stated): gnomAD exomes below 0.00001.
gnomAD v4.1: 1 of 1,612,634 alleles (0.000062%); highest among the groups gnomAD compares: Non-Finnish European, 0.000085%; no homozygotes.

Submissions (3):

Fulgent Genetics
Classification: Uncertain significance for Tibial muscular dystrophy; Myopathy, myofibrillar, 9, with early respiratory failure; Dilated cardiomyopathy 1G; Autosomal recessive limb-girdle muscular dystrophy type 2J; Early-onset myopathy with fatal cardiomyopathy; Hypertrophic cardiomyopathy 9. Last evaluated: 2021-08-20. Review status: criteria provided, single submitter. Criteria: ACMG Guidelines, 2015. Collection method: clinical testing. Allele origin: unknown.

Revvity Omics, Revvity
Classification: Uncertain significance. Last evaluated: 2019-02-26. Review status: criteria provided, single submitter. Criteria: ACMG Guidelines, 2015. Collection method: clinical testing. Allele origin: germline.

Labcorp Genetics (formerly Invitae), Labcorp
Classification: Uncertain significance for Dilated cardiomyopathy 1G; Autosomal recessive limb-girdle muscular dystrophy type 2J. Last evaluated: 2017-07-09. Review status: criteria provided, single submitter. Criteria: Invitae Variant Classification Sherloc (09022015). Collection method: clinical testing. Allele origin: germline.
Comment: This sequence change replaces threonine with arginine at codon 15708 of the TTN protein (p.Thr15708Arg). There is a moderate physicochemical difference between threonine and arginine. This variant is not present in population databases (ExAC no frequency). This variant has not been reported in the literature in individuals with TTN-related disease. This variant identified in the TTN gene is located in the A band of the resulting protein (PMID: 25589632). It is unclear how this variant impacts the function of this protein. Algorithms developed to predict the effect of sequence changes on RNA splicing suggest that this variant may create or strengthen a splice site, but this prediction has not been confirmed by published transcriptional studies. In summary, the available evidence is currently insufficient to determine the role of this variant in disease. Therefore, it has been classified as a Variant of Uncertain Significance.

Literature cited by the submitters: PubMed 25589632 (cited by Labcorp Genetics (formerly Invitae), Labcorp).

NM_001267550.2(TTN):c.47123C>G (p.Thr15708Arg)

Genes: TTN (titin; minus strand), TTN-AS1 (TTN antisense RNA 1; plus strand). Cytogenetic location: 2q31.2.
Variant type: single nucleotide variant.
Coding change: c.47123C>G on transcript NM_001267550.2 (MANE Select); coding-DNA position 47123, C replaced by G.
Protein change: p.Thr15708Arg; replaces threonine 15708 with arginine.
Molecular consequence: missense variant.
Genome position (GRCh38, 1-based): chr2:178,618,335, G>C on the plus strand (C>G on the coding strand, the complement: TTN is on the minus strand). VCF-style: chr2-178618335-G-C. GRCh37 (hg19) VCF-style: chr2-179483062-G-C.
Other names: c.42200C>G, p.Thr14067Arg (NM_001256850.1); c.19928C>G, p.Thr6643Arg (NM_003319.4); c.39419C>G, p.Thr13140Arg (NM_133378.4); c.20303C>G, p.Thr6768Arg (NM_133432.3); c.20504C>G, p.Thr6835Arg (NM_133437.4); short protein forms T15708R, T13140R, T6643R, T6768R, T14067R, T6835R.
Identifiers: ClinVar variation 467185 (VCV000467185.6), dbSNP rs1553711574, ClinGen allele CA349619710.